The following is an entry in ClinVar:

NM_025114.4(CEP290):c.361G>T (p.Glu121Ter)

Gene: CEP290 (centrosomal protein 290; minus strand). Cytogenetic location: 12q21.32.
Variant type: single nucleotide variant.
Coding change: c.361G>T on transcript NM_025114.4 (MANE Select); coding-DNA position 361, G replaced by T.
Protein change: p.Glu121Ter; replaces glutamic acid 121 with a stop codon.
Molecular consequence: nonsense.
Genome position (GRCh38, 1-based): chr12:88,136,723, C>A on the plus strand (G>T on the coding strand, the complement: CEP290 is on the minus strand). VCF-style: chr12-88136723-C-A. GRCh37 (hg19) VCF-style: chr12-88530500-C-A.
Other names: short protein forms E121*.
Identifiers: ClinVar variation 1365659 (VCV001365659.6), dbSNP rs2138215714, ClinGen allele CA385987523.

ClinVar aggregate classification (germline): Pathogenic (1 of 4 stars; one submission).

Conditions:
Joubert syndrome. Also called: CEREBELLOPARENCHYMAL DISORDER IV; JOUBERT-BOLTSHAUSER SYNDROME; Familial aplasia of the vermis. Identifiers: Orphanet 475, MedGen C5979921, MONDO:0018772.
Nephronophthisis. Also called: Juvenile Nephronophthisis. Identifiers: Orphanet 655, MedGen C0687120, MONDO:0019005, HP:0000090.
Meckel-Gruber syndrome. Also called: DYSENCEPHALIA SPLANCHNOCYSTICA; GRUBER SYNDROME; Dysencephalia splachnocystica. Identifiers: Orphanet 564, MedGen C0265215, MONDO:0018921.

Submission:

Labcorp Genetics (formerly Invitae), Labcorp
Classification: Pathogenic for Joubert syndrome; Meckel-Gruber syndrome; Nephronophthisis. Last evaluated: 2021-04-11. Review status: criteria provided, single submitter. Criteria: Invitae Variant Classification Sherloc (09022015). Collection method: clinical testing. Allele origin: germline.
Comment: For these reasons, this variant has been classified as Pathogenic. This variant has not been reported in the literature in individuals with CEP290-related conditions. This variant is not present in population databases (ExAC no frequency). This sequence change creates a premature translational stop signal (p.Glu121*) in the CEP290 gene. It is expected to result in an absent or disrupted protein product. Loss-of-function variants in CEP290 are known to be pathogenic (PMID: 16909394, 17345604, 20690115).

Literature cited by the submitters: PubMed 16909394; PubMed 17345604; PubMed 20690115.